The following is an entry in ClinVar:

NM_002637.4(PHKA1):c.2147T>C (p.Met716Thr)

Gene: PHKA1 (phosphorylase kinase regulatory subunit alpha 1; minus strand). Cytogenetic location: Xq13.1.
Variant type: single nucleotide variant.
Coding change: c.2147T>C on transcript NM_002637.4 (MANE Select); coding-DNA position 2147, T replaced by C.
Protein change: p.Met716Thr; replaces methionine 716 with threonine.
Molecular consequence: missense variant.
Genome position (GRCh38, 1-based): chrX:72,619,296, A>G on the plus strand (T>C on the coding strand, the complement: PHKA1 is on the minus strand). VCF-style: chrX-72619296-A-G. GRCh37 (hg19) VCF-style: chrX-71839146-A-G.
Other names: c.2147T>C, p.Met716Thr (NM_001122670.2); c.1970T>C, p.Met657Thr (NM_001172436.2); short protein forms M657T, M716T.
Identifiers: ClinVar variation 2571880 (VCV002571880.2), dbSNP rs782723790, ClinGen allele CA10450751.

ClinVar aggregate classification (germline): Uncertain significance. Review status: criteria provided, multiple submitters, no conflicts (2 of 4 stars). 2 submissions from 2 submitters: Uncertain significance (2). Last evaluated 2025-07-14.

Conditions:
Glycogen storage disease IXd (GSD9D). Also called: GSD IXd; Muscle Phosphorylase Kinase Deficiency. Identifiers: Orphanet 715, MedGen C1845151, MONDO:0010362, OMIM 300559.

Allele frequency attached by ClinVar (database versions not stated): gnomAD exomes below 0.00001; ExAC 0.00001; gnomAD 0.00003; 1000 Genomes Project 30x 0.00021; 1000 Genomes Project 0.00026.
gnomAD v4.1: 4 of 1,155,994 alleles (0.00035%); highest among the groups gnomAD compares: African/African-American, 0.0053%; no homozygotes.

Submissions (2):

Labcorp Genetics (formerly Invitae), Labcorp
Classification: Uncertain significance for Glycogen storage disease IXd. Last evaluated: 2025-07-14. Review status: criteria provided, single submitter. Criteria: Invitae Variant Classification Sherloc (09022015). Collection method: clinical testing. Allele origin: germline.
Comment: This sequence change replaces methionine, which is neutral and non-polar, with threonine, which is neutral and polar, at codon 716 of the PHKA1 protein (p.Met716Thr). This variant is present in population databases (rs782723790, gnomAD 0.006%). This variant has not been reported in the literature in individuals affected with PHKA1-related conditions. ClinVar contains an entry for this variant (Variation ID: 2571880). Invitae Evidence Modeling of protein sequence and biophysical properties (such as structural, functional, and spatial information, amino acid conservation, physicochemical variation, residue mobility, and thermodynamic stability) indicates that this missense variant is not expected to disrupt PHKA1 protein function with a negative predictive value of 80%. In summary, the available evidence is currently insufficient to determine the role of this variant in disease. Therefore, it has been classified as a Variant of Uncertain Significance.

GeneDx
Classification: Uncertain significance. Last evaluated: 2023-01-09. Review status: criteria provided, single submitter. Criteria: GeneDx Variant Classification Process June 2021. Collection method: clinical testing. Allele origin: germline. Affected: yes.
Comment: In silico analysis supports that this missense variant has a deleterious effect on protein structure/function; Has not been previously published as pathogenic or benign to our knowledge